The following is an entry in ClinVar:

NM_020778.5(ALPK3):c.1024T>C (p.Ser342Pro)

Gene: ALPK3 (alpha kinase 3; plus strand). Cytogenetic location: 15q25.3.
Variant type: single nucleotide variant.
Coding change: c.1024T>C on transcript NM_020778.5 (MANE Select); coding-DNA position 1024, T replaced by C.
Protein change: p.Ser342Pro; replaces serine 342 with proline.
Molecular consequence: missense variant.
Genome position (GRCh38, 1-based): chr15:84,840,303, T>C. VCF-style: chr15-84840303-T-C. GRCh37 (hg19) VCF-style: chr15-85383534-T-C.
Other names: short protein forms S342P.
Identifiers: ClinVar variation 1776829 (VCV001776829.6), dbSNP rs1963646098, ClinGen allele CA393374145.

ClinVar aggregate classification (germline): Uncertain significance. Review status: criteria provided, multiple submitters, no conflicts (2 of 4 stars). 2 submissions from 2 submitters: Uncertain significance (2). Last evaluated 2025-07-24.

Conditions:
Cardiovascular phenotype. Identifiers: MedGen CN230736.

Allele frequency attached by ClinVar (database versions not stated): TOPMed 0.00001.

Submissions (2):

Ambry Genetics
Classification: Uncertain significance for Cardiovascular phenotype. Last evaluated: 2025-07-24. Review status: criteria provided, single submitter. Criteria: Ambry Variant Classification Scheme 2023. Collection method: clinical testing. Allele origin: germline.
Comment: The p.S544P variant (also known as c.1630T>C), located in coding exon 5 of the ALPK3 gene, results from a T to C substitution at nucleotide position 1630. The serine at codon 544 is replaced by proline, an amino acid with similar properties. This amino acid position is well conserved in available vertebrate species; however, proline is the reference amino acid in other vertebrate species. In addition, this alteration is predicted to be tolerated by in silico analysis. Since supporting evidence is limited at this time, the clinical significance of this alteration remains unclear.

Labcorp Genetics (formerly Invitae), Labcorp
Classification: Uncertain significance. Last evaluated: 2023-02-17. Review status: criteria provided, single submitter. Criteria: Invitae Variant Classification Sherloc (09022015). Collection method: clinical testing. Allele origin: germline.
Comment: This sequence change replaces serine, which is neutral and polar, with proline, which is neutral and non-polar, at codon 544 of the ALPK3 protein (p.Ser544Pro). This variant is not present in population databases (gnomAD no frequency). This variant has not been reported in the literature in individuals affected with ALPK3-related conditions. ClinVar contains an entry for this variant (Variation ID: 1776829). Algorithms developed to predict the effect of missense changes on protein structure and function output the following: SIFT: "Not Available"; PolyPhen-2: "Benign"; Align-GVGD: "Not Available". The proline amino acid residue is found in multiple mammalian species, which suggests that this missense change does not adversely affect protein function. In summary, the available evidence is currently insufficient to determine the role of this variant in disease. Therefore, it has been classified as a Variant of Uncertain Significance.